The following is an entry in ClinVar:

NM_017775.4(TTC19):c.423+257G>A

Gene: TTC19 (tetratricopeptide repeat domain 19; plus strand). Cytogenetic location: 17p12.
Variant type: single nucleotide variant.
Coding change: c.423+257G>A on transcript NM_017775.4 (MANE Select); 257 bases into the intron after coding-DNA position 423, G replaced by A.
Molecular consequence: intron variant.
Genome position (GRCh38, 1-based): chr17:16,002,282, G>A. VCF-style: chr17-16002282-G-A. GRCh37 (hg19) VCF-style: chr17-15905596-G-A.
Other names: c.102+257G>A (NM_001271420.2).
Identifiers: ClinVar variation 673277 (VCV000673277.1), dbSNP rs8072652, ClinGen allele CA14461527.

ClinVar aggregate classification (germline): Benign (1 of 4 stars; one submission).

Allele frequency attached by ClinVar (database versions not stated): gnomAD 0.06454 and 0.06492; TOPMed 0.06819; 1000 Genomes Project 30x 0.09463; 1000 Genomes Project 0.09465.
gnomAD v4.1: 9,734 of 152,140 alleles (6.4%); highest among the groups gnomAD compares: African/African-American, 19%; 793 homozygotes.

Submission:

GeneDx
Classification: Benign. Last evaluated: 2018-06-14. Review status: criteria provided, single submitter. Criteria: GeneDx Variant Classification (06012015). Collection method: clinical testing. Allele origin: germline. Affected: yes.
Comment: This variant is considered likely benign or benign based on one or more of the following criteria: it is a conservative change, it occurs at a poorly conserved position in the protein, it is predicted to be benign by multiple in silico algorithms, and/or has population frequency not consistent with disease.